The following is an entry in ClinVar:

ClinVar aggregate classification (germline): Pathogenic (1 of 4 stars; one submission).

Conditions:
Perlman syndrome (PRLMNS). Identifiers: Orphanet 2849, MedGen C0796113, MONDO:0009965, OMIM 267000.

Submission:

Labcorp Genetics (formerly Invitae), Labcorp
Classification: Pathogenic for Perlman syndrome. Last evaluated: 2023-01-02. Review status: criteria provided, single submitter. Criteria: Invitae Variant Classification Sherloc (09022015). Collection method: clinical testing. Allele origin: germline.
Comment: For these reasons, this variant has been classified as Pathogenic. This variant has not been reported in the literature in individuals affected with DIS3L2-related conditions. This variant is not present in population databases (gnomAD no frequency). This sequence change creates a premature translational stop signal (p.Lys537Asnfs*16) in the DIS3L2 gene. It is expected to result in an absent or disrupted protein product. Loss-of-function variants in DIS3L2 are known to be pathogenic (PMID: 22306653, 28328139).

Literature cited by the submitters: PubMed 22306653; PubMed 28328139.

NM_152383.5(DIS3L2):c.1611_1617del (p.Lys537fs)

Gene: DIS3L2 (DIS3 like 3'-5' exoribonuclease 2; plus strand). Cytogenetic location: 2q37.1.
Variant type: Deletion.
Coding change: c.1611_1617del on transcript NM_152383.5 (MANE Select); coding-DNA positions 1611 to 1617, 7 bases deleted (GCAGTTA; older notation c.1611_1617delGCAGTTA).
Protein change: p.Lys537fs; shifts the reading frame from lysine 537.
Molecular consequence: frameshift variant. On other transcripts: non-coding transcript variant (2), intron variant (1).
Genome position (GRCh38, 1-based): chr2:232,263,392-232,263,398, GCAGTTA deleted; deleting any 7 consecutive bases within chr2:232,263,391-232,263,398 gives the same sequence; the c. name uses the placement nearest the transcript's 3' end. VCF-style (leftmost placement, unchanged base first): chr2-232263390-AAGCAGTT-A. GRCh37 (hg19) VCF-style: chr2-233128100-AAGCAGTT-A.
Other names: c.1581+30_1581+36del (NM_001257281.2); short protein forms K537fs.
Identifiers: ClinVar variation 2826003 (VCV002826003.3), dbSNP rs1574980125, ClinGen allele CA2739280050.